The following is an entry in ClinVar:

NM_001320458.2(WNT9B):c.905-5C>T

Genes: LRRC37A2 (leucine rich repeat containing 37 member A2), WNT9B (Wnt family member 9B; plus strand). Cytogenetic location: 17q21.32.
Variant type: single nucleotide variant.
Coding change: c.905-5C>T on transcript NM_001320458.2; 5 bases into the intron before coding-DNA position 905, C replaced by T.
Molecular consequence: intron variant.
Genome position (GRCh38, 1-based): chr17:46,885,029, C>T. VCF-style: chr17-46885029-C-T. GRCh37 (hg19) VCF-style: chr17-44962395-C-T.
Identifiers: ClinVar variation 3034713 (VCV003034713.2), dbSNP rs146865812, ClinGen allele CA8621070.

ClinVar aggregate classification (germline): Benign (0 of 4 stars; one submission).

Conditions:
WNT9B-related disorder. Also called: WNT9B-related condition.

Allele frequency attached by ClinVar (database versions not stated): 1000 Genomes Project 0.00020; 1000 Genomes Project 30x 0.00016; TOPMed 0.00130; ExAC 0.00144; gnomAD exomes 0.00126.
gnomAD v4.1: 538 of 436,906 alleles (0.12%); highest among the groups gnomAD compares: Middle Eastern, 0.37%; no homozygotes.

Submission:

PreventionGenetics, part of Exact Sciences
Classification: Benign for WNT9B-related condition. Last evaluated: 2019-08-07. Review status: no assertion criteria provided. Collection method: clinical testing. Allele origin: germline.
Comment: This variant is classified as benign based on ACMG/AMP sequence variant interpretation guidelines (Richards et al. 2015 PMID: 25741868, with internal and published modifications).